The following is an entry in ClinVar:

NM_000257.4(MYH7):c.2464A>G (p.Met822Val)

Genes: MYH7 (myosin heavy chain 7; minus strand), LOC126861898 (BRD4-independent group 4 enhancer GRCh37_chr14:23893609-23894808; plus strand). Cytogenetic location: 14q11.2.
Variant type: single nucleotide variant.
Coding change: c.2464A>G on transcript NM_000257.4 (MANE Select); coding-DNA position 2464, A replaced by G.
Protein change: p.Met822Val; replaces methionine 822 with valine.
Molecular consequence: missense variant.
Genome position (GRCh38, 1-based): chr14:23,424,984, T>C on the plus strand (A>G on the coding strand, the complement: MYH7 is on the minus strand). VCF-style: chr14-23424984-T-C. GRCh37 (hg19) VCF-style: chr14-23894193-T-C.
Other names: short protein forms M822V.
Identifiers: ClinVar variation 525013 (VCV000525013.10), dbSNP rs730880742, ClinGen allele CA389048359.

ClinVar aggregate classification (germline): Pathogenic/Likely pathogenic. Review status: criteria provided, multiple submitters, no conflicts (2 of 4 stars). 2 submissions from 2 submitters: Pathogenic (1); Likely pathogenic (1). Last evaluated 2025-04-30.

Conditions:
Cardiovascular phenotype. Identifiers: MedGen CN230736.
Hypertrophic cardiomyopathy. Also called: HYPERTROPHIC MYOCARDIOPATHY. Identifiers: Orphanet 217569, MedGen C0007194, MeSH D002312, MONDO:0005045, HP:0001639.

Submissions (2):

Labcorp Genetics (formerly Invitae), Labcorp
Classification: Pathogenic for Hypertrophic cardiomyopathy. Last evaluated: 2025-04-30. Review status: criteria provided, single submitter. Criteria: Invitae Variant Classification Sherloc (09022015). Collection method: clinical testing. Allele origin: germline.
Comment: This sequence change replaces methionine, which is neutral and non-polar, with valine, which is neutral and non-polar, at codon 822 of the MYH7 protein (p.Met822Val). This variant is not present in population databases (gnomAD no frequency). This missense change has been observed in individual(s) with hypertrophic cardiomyopathy (PMID: 12881443). In at least one individual the variant was observed to be de novo. ClinVar contains an entry for this variant (Variation ID: 525013). Invitae Evidence Modeling of protein sequence and biophysical properties (such as structural, functional, and spatial information, amino acid conservation, physicochemical variation, residue mobility, and thermodynamic stability) indicates that this missense variant is expected to disrupt MYH7 protein function with a positive predictive value of 95%. This variant is found within a region of MYH7 between codons 181 and 937 that contains the majority of the myosin head domain. Missense variants in this region have been shown to be significantly overrepresented in individuals with hypertrophic cardiomyopathy (PMID: 27532257). For these reasons, this variant has been classified as Pathogenic.

Ambry Genetics
Classification: Likely pathogenic for Cardiovascular phenotype. Last evaluated: 2024-09-04. Review status: criteria provided, single submitter. Criteria: Ambry Variant Classification Scheme 2023. Collection method: clinical testing. Allele origin: germline.
Comment: The c.2464A>G (p.M822V) alteration is located in exon 22 (coding exon 20) of the MYH7 gene. This alteration results from a A to G substitution at nucleotide position 2464, causing the methionine (M) at amino acid position 822 to be replaced by a valine (V). This variant was not reported in population-based cohorts in the Genome Aggregation Database (gnomAD). This variant has been detected in individuals with hypertrophic cardiomyopathy and, in one case, this variant occurred de novo (Garc&iacute;a-Castro, 2003; Quan, 2019). This amino acid position is highly conserved in available vertebrate species. This alteration is predicted to be deleterious by in silico analysis. Based on the available evidence, this alteration is classified as likely pathogenic.

Literature cited by the submitters: PubMed 12881443 (cited by Labcorp Genetics (formerly Invitae), Labcorp and Ambry Genetics); PubMed 27532257 (cited by Labcorp Genetics (formerly Invitae), Labcorp); PubMed 31064352 (cited by Ambry Genetics).